The following is an entry in ClinVar:

NM_000038.6(APC):c.3386del (p.Leu1129fs)

Gene: APC (APC regulator of Wnt signaling pathway; plus strand). Cytogenetic location: 5q22.2.
Variant type: Deletion.
Coding change: c.3386del on transcript NM_000038.6 (MANE Select); coding-DNA position 3386, one base deleted (T; older notation c.3386delT).
Protein change: p.Leu1129fs; shifts the reading frame from leucine 1129.
Molecular consequence: frameshift variant.
Genome position (GRCh38, 1-based): chr5:112,838,980, T deleted; the last of 3 consecutive T bases (chr5:112,838,978-112,838,980); deleting any one gives the same sequence. VCF-style (leftmost placement, unchanged base first): chr5-112838977-CT-C. GRCh37 (hg19) VCF-style: chr5-112174674-CT-C.
Other names: c.3386del, p.Leu1129fs (NM_001127510.3, NM_001354895.2); c.3332del, p.Leu1111fs (NM_001127511.3); c.3440del, p.Leu1147fs (NM_001354896.2); c.3416del, p.Leu1139fs (NM_001354897.2); c.3311del, p.Leu1104fs (NM_001354898.2); c.3302del, p.Leu1101fs (NM_001354899.2); c.3263del, p.Leu1088fs (NM_001354900.2); c.3209del, p.Leu1070fs (NM_001354901.2); and 5 more; short protein forms L1003fs, L1028fs, L1101fs, L1104fs, L1038fs, L1147fs, L969fs, L1070fs.
Identifiers: ClinVar variation 428185 (VCV000428185.5), dbSNP rs1114167616, ClinGen allele CA645369369.
Genomic context (GRCh38, chr5:112,838,977, plus strand): 5'-ATGGTTCAGAAACAAATCGAGTGGGTTCTAATCATGGAATTAATCAAAATGTAAGCCAGT[CT>C]TTGTGTCAAGAAGATGACTATGAAGATGATAAGCCTACCAATTATAGTGAACGTTACTCT-3'

ClinVar aggregate classification (germline): Pathogenic (1 of 4 stars; one submission).

Conditions:
Hereditary cancer-predisposing syndrome. Also called: Hereditary Cancer Syndrome; Neoplastic Syndromes, Hereditary; Hereditary neoplastic syndrome; Tumor predisposition. Identifiers: Orphanet 140162, MedGen C0027672, MeSH D009386, MONDO:0015356.

Submission:

Ambry Genetics
Classification: Pathogenic for Hereditary cancer-predisposing syndrome. Last evaluated: 2022-08-24. Review status: criteria provided, single submitter. Criteria: Ambry Variant Classification Scheme 2023. Collection method: clinical testing. Allele origin: germline.
Comment: The c.3386delT pathogenic mutation, located in coding exon 15 of the APC gene, results from a deletion of one nucleotide at nucleotide position 3386, causing a translational frameshift with a predicted alternate stop codon (p.L1129Cfs*36). This alteration occurs at the 3' terminus of theAPC gene, is not expected to trigger nonsense-mediated mRNA decay, and only impacts the last 1,715 amino acids of the protein. However, premature stop codons are typically deleterious in nature and a significant portion of the protein is affected (Ambry internal data). This variant is considered to be rare based on population cohorts in the Genome Aggregation Database (gnomAD). As such, this alteration is interpreted as a disease-causing mutation.